The following is an entry in ClinVar:

ClinVar aggregate classification (germline): Likely pathogenic (1 of 4 stars; one submission).

Conditions:
Combined malonic and methylmalonic acidemia. Identifiers: Orphanet 289504, MedGen C3280314, MONDO:0013661, OMIM 614265.

Submission:

Natera, Inc.
Classification: Likely pathogenic for Combined malonic and methylmalonic aciduria. Last evaluated: 2025-08-17. Review status: criteria provided, single submitter. Criteria: Natera Variant Classification Schema (03/2026). Collection method: clinical testing. Allele origin: germline.
Comment: The c.1538del variant in ACSF3 is a frameshift variant predicted to shift the reading frame beginning at codon 513 and leads to a stop codon 8 codons downstream. This variant is expected to result in nonsense mediated decay, truncation, or a dysfunctional protein product. This variant is rare in the general population with a frequency below the threshold expected for the associated phenotype(s). Given the available evidence, this variant is classified as Likely Pathogenic.

NM_001243279.3(ACSF3):c.1538del (p.Gly513fs)

Gene: ACSF3 (acyl-CoA synthetase family member 3; plus strand). Cytogenetic location: 16q24.3.
Variant type: Deletion.
Coding change: c.1538del on transcript NM_001243279.3 (MANE Select); coding-DNA position 1538, one base deleted (G; older notation c.1538delG).
Protein change: p.Gly513fs; shifts the reading frame from glycine 513.
Molecular consequence: frameshift variant. On other transcripts: non-coding transcript variant (4).
Genome position (GRCh38, 1-based): chr16:89,145,974, G deleted; the last of 4 consecutive G bases (chr16:89,145,971-89,145,974); deleting any one gives the same sequence. VCF-style (leftmost placement, unchanged base first): chr16-89145970-TG-T. GRCh37 (hg19) VCF-style: chr16-89212378-TG-T.
Other names: c.1538del, p.Gly513fs (NM_001127214.4, NM_174917.5); c.743del, p.Gly248fs (NM_001284316.2); short protein forms G248fs, G513fs.
Identifiers: ClinVar variation 4816969 (VCV004816969.1).